The following is an entry in ClinVar:

ClinVar aggregate classification (germline): Benign. Review status: criteria provided, multiple submitters, no conflicts (2 of 4 stars). 5 submissions from 5 submitters: Benign (5). Last evaluated 2026-02-02.

Conditions:
Cutis laxa with severe pulmonary, gastrointestinal and urinary anomalies. Also called: LTBP4-Related Cutis Laxa; URBAN-RIFKIN-DAVIS SYNDROME; Cutis laxa, autosomal recessive, type IC. Identifiers: Orphanet 221145, MedGen C2750804, MONDO:0013170, OMIM 613177. Disease mechanism: loss of function.

Allele frequency attached by ClinVar (database versions not stated): gnomAD exomes 0.00102 and 0.00281; ExAC 0.00369; ESP Exome Variant Server 0.00847; gnomAD 0.01034 and 0.01103; 1000 Genomes Project 0.01158; TOPMed 0.01178; 1000 Genomes Project 30x 0.01187.
gnomAD v4.1: 3,125 of 1,612,296 alleles (0.19%); highest among the groups gnomAD compares: African/African-American, 3.6%; 47 homozygotes.

Submissions (5):

Labcorp Genetics (formerly Invitae), Labcorp
Classification: Benign. Last evaluated: 2026-02-02. Review status: criteria provided, single submitter. Criteria: Invitae Variant Classification Sherloc (09022015). Collection method: clinical testing. Allele origin: germline.

Illumina Laboratory Services, Illumina
Classification: Benign for Cutis laxa with severe pulmonary, gastrointestinal and urinary anomalies. Last evaluated: 2018-01-13. Review status: criteria provided, single submitter. Criteria: ICSL Variant Classification Criteria 13 December 2019. Collection method: clinical testing. Allele origin: germline.
Comment: This variant was observed in the ICSL laboratory as part of a predisposition screen in an ostensibly healthy population. It had not been previously curated by ICSL or reported in the Human Gene Mutation Database (HGMD: prior to June 1st, 2018), and was therefore a candidate for classification through an automated scoring system. Utilizing variant allele frequency, disease prevalence and penetrance estimates, and inheritance mode, an automated score was calculated to assess if this variant is too frequent to cause the disease. Based on the score and internal cut-off values, a variant classified as benign is not then subjected to further curation. The score for this variant resulted in a classification of benign for this disease.

GeneDx
Classification: Benign. Last evaluated: 2017-02-27. Review status: criteria provided, single submitter. Criteria: GeneDx Variant Classification (06012015). Collection method: clinical testing. Allele origin: germline. Affected: yes.
Comment: This variant is considered likely benign or benign based on one or more of the following criteria: it is a conservative change, it occurs at a poorly conserved position in the protein, it is predicted to be benign by multiple in silico algorithms, and/or has population frequency not consistent with disease.

Laboratory for Molecular Medicine, Mass General Brigham Personalized Medicine
Classification: Benign. Last evaluated: 2013-02-21. Review status: criteria provided, single submitter. Criteria: LMM Criteria. Collection method: clinical testing. Allele origin: germline. Observed: 1 variant allele.
Comment: Arg442Arg in exon 10 of LTBP4: This variant is not expected to have clinical sig nificance because it does not alter an amino acid residue and is not located wit hin the splice consensus sequence. It has been identified in 2.6% (104/3982) of African American chromosomes from a broad population by the NHLBI Exome Sequenci ng Project (dbSNP rs41354044).

Breakthrough Genomics
Classification: Benign. Review status: criteria provided, single submitter. Criteria: ACMG Guidelines, 2015. Collection method: not provided. Allele origin: germline. Inheritance: Autosomal recessive inheritance. Affected: yes.

NM_001042545.2(LTBP4):c.1125G>A (p.Arg375=)

Gene: LTBP4 (latent transforming growth factor beta binding protein 4; plus strand). Cytogenetic location: 19q13.2.
Variant type: single nucleotide variant.
Coding change: c.1125G>A on transcript NM_001042545.2 (MANE Select); coding-DNA position 1125, G replaced by A.
Protein change: p.Arg375=; no amino-acid change (arginine 375 retained).
Molecular consequence: synonymous variant.
Genome position (GRCh38, 1-based): chr19:40,607,498, G>A. VCF-style: chr19-40607498-G-A. GRCh37 (hg19) VCF-style: chr19-41113404-G-A.
Other names: NM_001042544.1:c.1326G>A; p.Arg442Arg; c.1326G>A, p.Arg442= (NM_001042544.1); c.1215G>A, p.Arg405= (NM_003573.2).
Identifiers: ClinVar variation 506379 (VCV000506379.18), dbSNP rs41354044, ClinGen allele CA9448185.